The following is an entry in ClinVar:

NM_032607.3(CREB3L3):c.779G>A (p.Ser260Asn)

Gene: CREB3L3 (cAMP responsive element binding protein 3 like 3; plus strand). Cytogenetic location: 19p13.3.
Variant type: single nucleotide variant.
Coding change: c.779G>A on transcript NM_032607.3 (MANE Select); coding-DNA position 779, G replaced by A.
Protein change: p.Ser260Asn; replaces serine 260 with asparagine.
Molecular consequence: missense variant. On other transcripts: intron variant (1).
Genome position (GRCh38, 1-based): chr19:4,168,415, G>A. VCF-style: chr19-4168415-G-A. GRCh37 (hg19) VCF-style: chr19-4168412-G-A.
Other names: c.776G>A, p.Ser259Asn (NM_001271995.2); c.773G>A, p.Ser258Asn (NM_001271996.2); c.715-1725G>A (NM_001271997.2); short protein forms S260N, S258N, S259N.
Identifiers: ClinVar variation 2869517 (VCV002869517.3), dbSNP rs1384748222, ClinGen allele CA403405970.
Genomic context (GRCh38, chr19:4,168,415, plus strand): 5'-AGGAGCGAGTGCTGAAAAAAATCCGCCGGAAAATCCGGAACAAGCAGTCGGCGCAAGAAA[G>A]CAGGAAGAAGAAGAAGGAATATATCGATGGCCTGGAGACTCGGTGGGTAGTGCTGGACCC-3'
Protein context (NP_115996.1, residues 250-270): KIRNKQSAQE[Ser260Asn]RKKKKEYIDG

ClinVar aggregate classification (germline): Uncertain significance (1 of 4 stars; one submission).

Submission:

Labcorp Genetics (formerly Invitae), Labcorp
Classification: Uncertain significance. Last evaluated: 2023-07-20. Review status: criteria provided, single submitter. Criteria: Invitae Variant Classification Sherloc (09022015). Collection method: clinical testing. Allele origin: germline.
Comment: This sequence change replaces serine, which is neutral and polar, with asparagine, which is neutral and polar, at codon 260 of the CREB3L3 protein (p.Ser260Asn). This variant is present in population databases (no rsID available, gnomAD 0.003%). This variant has not been reported in the literature in individuals affected with CREB3L3-related conditions. Advanced modeling of protein sequence and biophysical properties (such as structural, functional, and spatial information, amino acid conservation, physicochemical variation, residue mobility, and thermodynamic stability) performed at Invitae indicates that this missense variant is expected to disrupt CREB3L3 protein function. In summary, the available evidence is currently insufficient to determine the role of this variant in disease. Therefore, it has been classified as a Variant of Uncertain Significance.